The following is an entry in ClinVar:

NM_000026.4(ADSL):c.734G>A (p.Arg245Gln)

Gene: ADSL (adenylosuccinate lyase; plus strand). Cytogenetic location: 22q13.1.
Variant type: single nucleotide variant.
Coding change: c.734G>A on transcript NM_000026.4 (MANE Select); coding-DNA position 734, G replaced by A.
Protein change: p.Arg245Gln; replaces arginine 245 with glutamine.
Molecular consequence: missense variant. On other transcripts: non-coding transcript variant (1).
Genome position (GRCh38, 1-based): chr22:40,360,434, G>A. VCF-style: chr22-40360434-G-A. GRCh37 (hg19) VCF-style: chr22-40756438-G-A.
Other names: c.734G>A, p.Arg245Gln (NM_001123378.3, NM_001363840.3); c.542G>A, p.Arg181Gln (NM_001317923.2); short protein forms R245Q, R181Q.
Identifiers: ClinVar variation 625883 (VCV000625883.9), dbSNP rs374047157, ClinGen allele CA10247801.

ClinVar aggregate classification (germline): Conflicting classifications of pathogenicity. Review status: criteria provided, conflicting classifications (1 of 4 stars). 4 submissions from 4 submitters: Likely pathogenic (1); Uncertain significance (3). Last evaluated 2022-08-09.

Conditions:
Adenylosuccinate lyase deficiency (ADSLD). Also called: ADSL DEFICIENCY. Identifiers: Orphanet 46, MedGen C0268126, MONDO:0007068, OMIM 103050.
ADSL-related disorder. Also called: ADSL-related condition.

Allele frequency attached by ClinVar (database versions not stated): gnomAD exomes 0.00002; ExAC 0.00003; TOPMed 0.00003; gnomAD 0.00004; ESP Exome Variant Server 0.00008.
gnomAD v4.1: 36 of 1,613,728 alleles (0.0022%); highest among the groups gnomAD compares: Non-Finnish European, 0.0028%; no homozygotes.

Submissions (4):

Labcorp Genetics (formerly Invitae), Labcorp
Classification: Uncertain significance for Adenylosuccinate lyase deficiency. Last evaluated: 2022-08-09. Review status: criteria provided, single submitter. Criteria: Invitae Variant Classification Sherloc (09022015). Collection method: clinical testing. Allele origin: germline.
Comment: This sequence change replaces arginine, which is basic and polar, with glutamine, which is neutral and polar, at codon 245 of the ADSL protein (p.Arg245Gln). This variant is present in population databases (rs374047157, gnomAD 0.006%). This variant has not been reported in the literature in individuals affected with ADSL-related conditions. ClinVar contains an entry for this variant (Variation ID: 625883). Advanced modeling of protein sequence and biophysical properties (such as structural, functional, and spatial information, amino acid conservation, physicochemical variation, residue mobility, and thermodynamic stability) performed at Invitae indicates that this missense variant is expected to disrupt ADSL protein function. In summary, the available evidence is currently insufficient to determine the role of this variant in disease. Therefore, it has been classified as a Variant of Uncertain Significance.

Blueprint Genetics
Classification: Likely pathogenic for ADSL-related disorders. Last evaluated: 2022-05-06. Review status: criteria provided, single submitter. Criteria: ACMG Guidelines, 2015. Collection method: clinical testing. Allele origin: germline. Affected: yes. Observed: 5 variant alleles.

Fulgent Genetics
Classification: Uncertain significance for Adenylosuccinate lyase deficiency. Last evaluated: 2022-01-13. Review status: criteria provided, single submitter. Criteria: ACMG Guidelines, 2015. Collection method: clinical testing. Allele origin: unknown.

Center for Genomics, Ann and Robert H. Lurie Children's Hospital of Chicago
Classification: Uncertain significance for Adenylosuccinate lyase deficiency. Last evaluated: 2021-03-30. Review status: criteria provided, single submitter. Criteria: ACMG Guidelines, 2015. Collection method: clinical testing. Allele origin: germline.
Comment: ADSL NM_000026.3 exon 7 p.Arg245Gln (c.734G>A): This variant has not been reported in the literature but is present in 0.005% (7/126698) of European alleles in the Genome Aggregation Database. Evolutionary conservation and computational predictive tools suggest that this variant may impact the protein. In summary, data on this variant is insufficient for disease classification. Therefore, the clinical significance of this variant is uncertain.